The following is an entry in ClinVar:

ClinVar aggregate classification (germline): Benign/Likely benign. Review status: criteria provided, multiple submitters, no conflicts (2 of 4 stars). 3 submissions from 3 submitters: Benign (1); Likely benign (2). Last evaluated 2026-06-17.

Conditions:
Polyps, multiple and recurrent inflammatory fibroid, gastrointestinal. Identifiers: MedGen C5193005, MONDO:0008285, OMIM 175510.
Hereditary cancer-predisposing syndrome. Also called: Tumor predisposition; Hereditary neoplastic syndrome; Neoplastic Syndromes, Hereditary; Hereditary Cancer Syndrome. Identifiers: Orphanet 140162, MedGen C0027672, MeSH D009386, MONDO:0015356.
Gastrointestinal stromal tumor. Also called: Gastrointestinal stroma tumor; Gastrointestinal stromal tumor, somatic. Identifiers: Orphanet 44890, MedGen C0238198, MeSH D046152, MONDO:0011719, OMIM 606764, HP:0100723.

Allele frequency attached by ClinVar (database versions not stated): ExAC 0.00001; gnomAD 0.00001; gnomAD exomes 0.00001 and 0.00002; TOPMed 0.00001; ESP Exome Variant Server 0.00008.
gnomAD v4.1: 30 of 1,614,014 alleles (0.0019%); highest among the groups gnomAD compares: Non-Finnish European, 0.0024%; no homozygotes.

Submissions (3):

Myriad Genetics, Inc.
Classification: Benign for Polyps, multiple and recurrent inflammatory fibroid, gastrointestinal. Last evaluated: 2026-06-17. Review status: criteria provided, single submitter. Criteria: Myriad Autosomal Dominant, Autosomal Recessive and X-Linked Classification Criteria (2023). Collection method: clinical testing. Allele origin: unknown.
Comment: This variant is considered benign. This variant is intronic and is not expected to impact mRNA splicing. This variant has been observed at a population frequency that is significantly greater than expected given the associated disease prevalence and penetrance.

Labcorp Genetics (formerly Invitae), Labcorp
Classification: Likely benign for Gastrointestinal stromal tumor. Last evaluated: 2025-12-27. Review status: criteria provided, single submitter. Criteria: Invitae Variant Classification Sherloc (09022015). Collection method: clinical testing. Allele origin: germline.

Ambry Genetics
Classification: Likely benign for Hereditary cancer-predisposing syndrome. Last evaluated: 2024-03-20. Review status: criteria provided, single submitter. Criteria: Ambry Variant Classification Scheme 2023. Collection method: clinical testing. Allele origin: germline.

NM_006206.6(PDGFRA):c.1654-4A>G

Gene: PDGFRA (platelet derived growth factor receptor alpha; plus strand). Cytogenetic location: 4q12.
Variant type: single nucleotide variant.
Coding change: c.1654-4A>G on transcript NM_006206.6 (MANE Select); 4 bases into the intron before coding-DNA position 1654, A replaced by G.
Molecular consequence: intron variant.
Genome position (GRCh38, 1-based): chr4:54,274,837, A>G. VCF-style: chr4-54274837-A-G. GRCh37 (hg19) VCF-style: chr4-55141004-A-G.
Other names: c.1729-4A>G (NM_001347828.2); c.1654-4A>G (NM_001347827.2, NM_001347829.2); c.1693-4A>G (NM_001347830.2).
Identifiers: ClinVar variation 459016 (VCV000459016.14), dbSNP rs371400466, ClinGen allele CA2922654.